The following is an entry in ClinVar:

NM_000089.4(COL1A2):c.1847G>T (p.Gly616Val)

Gene: COL1A2 (collagen type I alpha 2 chain; plus strand). Cytogenetic location: 7q21.3.
Variant type: single nucleotide variant.
Coding change: c.1847G>T on transcript NM_000089.4 (MANE Select); coding-DNA position 1847, G replaced by T.
Protein change: p.Gly616Val; replaces glycine 616 with valine.
Molecular consequence: missense variant.
Genome position (GRCh38, 1-based): chr7:94,416,487, G>T. VCF-style: chr7-94416487-G-T. GRCh37 (hg19) VCF-style: chr7-94045799-G-T.
Other names: short protein forms G616V.
Identifiers: ClinVar variation 452458 (VCV000452458.2), dbSNP rs1554397133, ClinGen allele CA368222719.

ClinVar aggregate classification (germline): Pathogenic (1 of 4 stars; one submission).

Submission:

GeneDx
Classification: Pathogenic. Last evaluated: 2017-09-28. Review status: criteria provided, single submitter. Criteria: GeneDx Variant Classification (06012015). Collection method: clinical testing. Allele origin: germline. Affected: yes.
Comment: The G616V missense variant in the COL1A2 gene has not been published as a pathogenic variant, nor has it been reported as a benign variant to our knowledge. G616V occurs in the triple helical domain and replaces the Glycine in the canonical Gly-X-Y repeat. Mutations in these Glycines result in poor winding of the collagen triple helix and a less functional protein. The G616V variant was not observed in large population cohorts (Lek et al., 2016). G616V is a conservative amino acid substitution, which is not likely to impact secondary protein structure as these residues share similar properties. This substitution occurs at a position that is conserved across species. In silico analysis predicts this variant is probably damaging to the protein structure/function. Another missense variant in the same glycine residue (Gly616Arg) and in nearby glycine residues (G621K, G625D, D628R, G631V) have been reported in the Human Gene Mutation Database in association with COL1A2-related disorders (Stenson et al., 2014), supporting the functional importance of this region of the protein.